The following is an entry in ClinVar:

NM_182760.4(SUMF1):c.*189G>A

Gene: SUMF1 (sulfatase modifying factor 1; minus strand). Cytogenetic location: 3p26.1.
Variant type: single nucleotide variant.
Coding change: c.*189G>A on transcript NM_182760.4 (MANE Select); 189 bases downstream of the stop codon, G replaced by A.
Molecular consequence: 3 prime UTR variant.
Genome position (GRCh38, 1-based): chr3:4,361,955, C>T on the plus strand (G>A on the coding strand, the complement: SUMF1 is on the minus strand). VCF-style: chr3-4361955-C-T. GRCh37 (hg19) VCF-style: chr3-4403639-C-T.
Other names: c.*189G>A (NM_001164674.2, NM_001164675.2).
Identifiers: ClinVar variation 903016 (VCV000903016.7), dbSNP rs116820538, ClinGen allele CA68749257.

ClinVar aggregate classification (germline): Benign/Likely benign. Review status: criteria provided, multiple submitters, no conflicts (2 of 4 stars). 2 submissions from 2 submitters: Benign (1); Likely benign (1). Last evaluated 2020-02-01.

Conditions:
Multiple sulfatase deficiency (MSD). Also called: Mucosulfatidosis; Multiple Sulfatase Deficiency Disease; Sulfatidosis, Juvenile, Austin Type. Identifiers: Orphanet 585, MedGen C0268263, MONDO:0010088, OMIM 272200.

Allele frequency attached by ClinVar (database versions not stated): gnomAD 0.00907 and 0.00972; 1000 Genomes Project 30x 0.00968; 1000 Genomes Project 0.00998; TOPMed 0.01019.
gnomAD v4.1: 1,892 of 602,336 alleles (0.31%); highest among the groups gnomAD compares: African/African-American, 3.2%; 28 homozygotes.

Submissions (2):

GeneDx
Classification: Likely benign. Last evaluated: 2020-02-01. Review status: criteria provided, single submitter. Criteria: GeneDx Variant Classification Process June 2021. Collection method: clinical testing. Allele origin: germline. Affected: yes.

Illumina Laboratory Services, Illumina
Classification: Benign for Multiple sulfatase deficiency. Last evaluated: 2018-01-13. Review status: criteria provided, single submitter. Criteria: ICSL Variant Classification Criteria 13 December 2019. Collection method: clinical testing. Allele origin: germline.
Comment: This variant was observed in the ICSL laboratory as part of a predisposition screen in an ostensibly healthy population. It had not been previously curated by ICSL or reported in the Human Gene Mutation Database (HGMD: prior to June 1st, 2018), and was therefore a candidate for classification through an automated scoring system. Utilizing variant allele frequency, disease prevalence and penetrance estimates, and inheritance mode, an automated score was calculated to assess if this variant is too frequent to cause the disease. Based on the score and internal cut-off values, a variant classified as benign is not then subjected to further curation. The score for this variant resulted in a classification of benign for this disease.